The following is an entry in ClinVar:

NM_001267550.2(TTN):c.107743A>C (p.Thr35915Pro)

Genes: TTN-AS1 (TTN antisense RNA 1; plus strand), TTN (titin; minus strand). Cytogenetic location: 2q31.2.
Variant type: single nucleotide variant.
Coding change: c.107743A>C on transcript NM_001267550.2 (MANE Select); coding-DNA position 107743, A replaced by C.
Protein change: p.Thr35915Pro; replaces threonine 35915 with proline.
Molecular consequence: missense variant.
Genome position (GRCh38, 1-based): chr2:178,527,245, T>G on the plus strand (A>C on the coding strand, the complement: TTN is on the minus strand). VCF-style: chr2-178527245-T-G. GRCh37 (hg19) VCF-style: chr2-179391972-T-G.
Other names: c.102820A>C, p.Thr34274Pro (NM_001256850.1); c.80548A>C, p.Thr26850Pro (NM_003319.4); c.100039A>C, p.Thr33347Pro (NM_133378.4); c.80923A>C, p.Thr26975Pro (NM_133432.3); c.81124A>C, p.Thr27042Pro (NM_133437.4); short protein forms T26975P, T26850P, T34274P, T35915P, T27042P, T33347P.
Identifiers: ClinVar variation 2203212 (VCV002203212.4), dbSNP rs2468230425, ClinGen allele CA349399398.
Genomic context (GRCh38, chr2:178,527,245, plus strand): 5'-TTCCACCACAGGACCATGTTACTTCTGGGGTAGGCTCACCCGTGAAAGCACAGGCTACTG[T>G]TAGAACTTTGCCTTCATCAATGCTGATATCAGATGGAAGAGCTTCAATTTTAGGCGGAAT-3'
Protein context (NP_001254479.2, residues 35905-35925): DISIDEGKVL[Thr35915Pro]VACAFTGEPT

ClinVar aggregate classification (germline): Uncertain significance (1 of 4 stars; one submission).

Conditions:
Autosomal recessive limb-girdle muscular dystrophy type 2J (LGMDR10). Also called: Limb-girdle muscular dystrophy, type 2J; MUSCULAR DYSTROPHY, LIMB-GIRDLE, AUTOSOMAL RECESSIVE 10. Identifiers: Orphanet 140922, MedGen C1837342, MONDO:0012127, OMIM 608807.
Dilated cardiomyopathy 1G (CMD1G). Identifiers: Orphanet 154, MedGen C1858763, MONDO:0011400, OMIM 604145.

Allele frequency attached by ClinVar (database versions not stated): gnomAD exomes below 0.00001.

Submission:

Labcorp Genetics (formerly Invitae), Labcorp
Classification: Uncertain significance for Dilated cardiomyopathy 1G; Autosomal recessive limb-girdle muscular dystrophy type 2J. Last evaluated: 2022-08-27. Review status: criteria provided, single submitter. Criteria: Invitae Variant Classification Sherloc (09022015). Collection method: clinical testing. Allele origin: germline.
Comment: Experimental studies and prediction algorithms are not available or were not evaluated, and the functional significance of this variant is currently unknown. This sequence change replaces threonine, which is neutral and polar, with proline, which is neutral and non-polar, at codon 35915 of the TTN protein (p.Thr35915Pro). This variant is not present in population databases (gnomAD no frequency). This missense change has been observed in individual(s) with autosomal recessive tibial muscular dystrophy (PMID: 26627873, 27796757). In at least one individual the data is consistent with being in trans (on the opposite chromosome) from a pathogenic variant. It has also been observed to segregate with disease in related individuals. This variant is located in the M band of TTN (PMID: 25589632). Variants in this region may be relevant for neuromuscular disorders, but have not been definitively shown to cause cardiomyopathy (PMID: 23975875). In summary, the available evidence is currently insufficient to determine the role of this variant in disease. Therefore, it has been classified as a Variant of Uncertain Significance.

Literature cited by the submitters: PubMed 26627873; PubMed 27796757; PubMed 25589632; PubMed 23975875.